The following is an entry in ClinVar:

ClinVar aggregate classification (germline): Uncertain significance. Review status: criteria provided, multiple submitters, no conflicts (2 of 4 stars). 2 submissions from 2 submitters: Uncertain significance (2). Last evaluated 2025-08-31.

Allele frequency attached by ClinVar (database versions not stated): gnomAD exomes below 0.00001; gnomAD 0.00001; TOPMed 0.00001.
gnomAD v4.1: 5 of 1,613,960 alleles (0.00031%); highest among the groups gnomAD compares: African/African-American, 0.0027%; no homozygotes.

Submissions (2):

Labcorp Genetics (formerly Invitae), Labcorp
Classification: Uncertain significance. Last evaluated: 2025-08-31. Review status: criteria provided, single submitter. Criteria: Invitae Variant Classification Sherloc (09022015). Collection method: clinical testing. Allele origin: germline.
Comment: This sequence change replaces arginine, which is basic and polar, with glutamine, which is neutral and polar, at codon 302 of the BICC1 protein (p.Arg302Gln). This variant is present in population databases (no rsID available, gnomAD 0.01%). This variant has not been reported in the literature in individuals affected with BICC1-related conditions. ClinVar contains an entry for this variant (Variation ID: 3133845). An algorithm developed to predict the effect of missense changes on protein structure and function (PolyPhen-2) suggests that this variant is likely to be tolerated. In summary, the available evidence is currently insufficient to determine the role of this variant in disease. Therefore, it has been classified as a Variant of Uncertain Significance.

Ambry Genetics
Classification: Uncertain significance. Last evaluated: 2023-12-08. Review status: criteria provided, single submitter. Criteria: Ambry Variant Classification Scheme 2023. Collection method: clinical testing. Allele origin: germline.

NM_001080512.3(BICC1):c.905G>A (p.Arg302Gln)

Gene: BICC1 (BicC family RNA binding protein 1; plus strand). Cytogenetic location: 10q21.1.
Variant type: single nucleotide variant.
Coding change: c.905G>A on transcript NM_001080512.3 (MANE Select); coding-DNA position 905, G replaced by A.
Protein change: p.Arg302Gln; replaces arginine 302 with glutamine.
Molecular consequence: missense variant.
Genome position (GRCh38, 1-based): chr10:58,789,791, G>A. VCF-style: chr10-58789791-G-A. GRCh37 (hg19) VCF-style: chr10-60549551-G-A.
Other names: short protein forms R302Q.
Identifiers: ClinVar variation 3133845 (VCV003133845.2), dbSNP rs1326927765, ClinGen allele CA376969826.